The following is an entry in ClinVar:

ClinVar aggregate classification (germline): Uncertain significance. Review status: criteria provided, multiple submitters, no conflicts (2 of 4 stars). 3 submissions from 3 submitters: Uncertain significance (3). Last evaluated 2026-05-08.

Conditions:
RASopathy. Also called: rasopathies; Noonan spectrum disorder. Identifiers: Orphanet 536391, MedGen C5555857, MONDO:0021060.
Cardiovascular phenotype. Identifiers: MedGen CN230736.

Submissions (3):

Women's Health and Genetics/Laboratory Corporation of America, LabCorp
Classification: Uncertain significance. Last evaluated: 2026-05-08. Review status: criteria provided, single submitter. Criteria: LabCorp Variant Classification Summary - May 2015. Collection method: clinical testing. Allele origin: germline.

Ambry Genetics
Classification: Uncertain significance for Cardiovascular phenotype. Last evaluated: 2025-11-10. Review status: criteria provided, single submitter. Criteria: Ambry Variant Classification Scheme 2023. Collection method: clinical testing. Allele origin: germline.
Comment: The p.P567L variant (also known as c.1700C>T), located in coding exon 14 of the PTPN11 gene, results from a C to T substitution at nucleotide position 1700. The proline at codon 567 is replaced by leucine, an amino acid with similar properties. This amino acid position is conserved. In addition, this alteration is predicted to be tolerated by in silico analysis. Based on the available evidence, the clinical significance of this variant remains unclear.

Labcorp Genetics (formerly Invitae), Labcorp
Classification: Uncertain significance for RASopathy. Last evaluated: 2025-03-31. Review status: criteria provided, single submitter. Criteria: Invitae Variant Classification Sherloc (09022015). Collection method: clinical testing. Allele origin: germline.
Comment: This sequence change replaces proline, which is neutral and non-polar, with leucine, which is neutral and non-polar, at codon 567 of the PTPN11 protein (p.Pro567Leu). This variant is not present in population databases (gnomAD no frequency). This variant has not been reported in the literature in individuals affected with PTPN11-related conditions. Invitae Evidence Modeling of protein sequence and biophysical properties (such as structural, functional, and spatial information, amino acid conservation, physicochemical variation, residue mobility, and thermodynamic stability) indicates that this missense variant is not expected to disrupt PTPN11 protein function with a negative predictive value of 95%. In summary, the available evidence is currently insufficient to determine the role of this variant in disease. Therefore, it has been classified as a Variant of Uncertain Significance.

NM_002834.5(PTPN11):c.1700C>T (p.Pro567Leu)

Gene: PTPN11 (protein tyrosine phosphatase non-receptor type 11; plus strand). Cytogenetic location: 12q24.13.
Variant type: single nucleotide variant.
Coding change: c.1700C>T on transcript NM_002834.5 (MANE Select); coding-DNA position 1700, C replaced by T.
Protein change: p.Pro567Leu; replaces proline 567 with leucine.
Molecular consequence: missense variant.
Genome position (GRCh38, 1-based): chr12:112,502,244, C>T. VCF-style: chr12-112502244-C-T. GRCh37 (hg19) VCF-style: chr12-112940048-C-T.
Other names: c.1712C>T, p.Pro571Leu (NM_001330437.2); c.1697C>T, p.Pro566Leu (NM_001374625.1); short protein forms P571L, P566L, P567L.
Identifiers: ClinVar variation 3687553 (VCV003687553.4).
Genomic context (GRCh38, chr12:112,502,244, plus strand): 5'-ATTCTCTAGCGGACCAGACGAGTGGAGATCAGAGCCCTCTCCCGCCTTGTACTCCAACGC[C>T]ACCCTGTGCAGAGTAAGTAGTGCTGAAGGAAATTCTTTTTACCTGGTCATGGTGGTTTAA-3'
Protein context (NP_002825.3, residues 557-577): QSPLPPCTPT[Pro567Leu]PCAEMREDSA